The following is an entry in ClinVar:

ClinVar aggregate classification (germline): Uncertain significance. Review status: criteria provided, multiple submitters, no conflicts (2 of 4 stars). 3 submissions from 3 submitters: Uncertain significance (2). 1 of the submissions does not count toward it. Last evaluated 2025-08-21.

Conditions:
Cystic fibrosis (CF). Also called: MUCOVISCIDOSIS. Identifiers: Orphanet 586, MedGen C0010674, MONDO:0009061, OMIM 219700. Disease mechanism: loss of function.

Submissions (3):

Labcorp Genetics (formerly Invitae), Labcorp
Classification: Uncertain significance for Cystic fibrosis. Last evaluated: 2025-08-21. Review status: criteria provided, single submitter. Criteria: Invitae Variant Classification Sherloc (09022015). Collection method: clinical testing. Allele origin: germline.
Comment: This sequence change replaces leucine, which is neutral and non-polar, with phenylalanine, which is neutral and non-polar, at codon 206 of the CFTR protein (p.Leu206Phe). This variant is not present in population databases (gnomAD no frequency). This missense change has been observed in individual(s) with cystic fibrosis (PMID: 10923036, 11379874). ClinVar contains an entry for this variant (Variation ID: 54028). Invitae Evidence Modeling of protein sequence and biophysical properties (such as structural, functional, and spatial information, amino acid conservation, physicochemical variation, residue mobility, and thermodynamic stability) indicates that this missense variant is not expected to disrupt CFTR protein function with a negative predictive value of 80%. This variant disrupts the p.Leu206 amino acid residue in CFTR. Other variant(s) that disrupt this residue have been determined to be pathogenic (PMID: 15776432, 20021716, 21520337, 23974870, 27086061). This suggests that this residue is clinically significant, and that variants that disrupt this residue are likely to be disease-causing. In summary, the available evidence is currently insufficient to determine the role of this variant in disease. Therefore, it has been classified as a Variant of Uncertain Significance.

Women's Health and Genetics/Laboratory Corporation of America, LabCorp
Classification: Uncertain significance. Last evaluated: 2024-04-22. Review status: criteria provided, single submitter. Criteria: LabCorp Variant Classification Summary - May 2015. Collection method: clinical testing. Allele origin: germline.
Comment: Variant summary: CFTR c.618G>T (p.Leu206Phe) results in a non-conservative amino acid change located in the ABC transporter type 1, transmembrane domain (IPR011527) of the encoded protein sequence. Four of five in-silico tools predict a damaging effect of the variant on protein function. The variant was absent in 251446 control chromosomes. The available data on variant occurrences in the general population are insufficient to allow any conclusion about variant significance. c.618G>T has been reported in the literature without a zygosity or genotype specification in individuals affected with Cystic Fibrosis (example, Claustres_2000, Le Marchal_2001). These report(s) do not provide unequivocal conclusions about association of the variant with Cystic Fibrosis. A different variant affecting the same codon has been classified as pathogenic by our lab (c.617T>G, p.Leu206Trp), supporting the critical relevance of codon 206 to CFTR protein function. To our knowledge, no experimental evidence demonstrating an impact on protein function has been reported. The following publications have been ascertained in the context of this evaluation (PMID: 10923036, 11379874). ClinVar contains an entry for this variant (Variation ID: 54028). Based on the evidence outlined above, the variant was classified as uncertain significance.

ClinVar Staff, National Center for Biotechnology Information (NCBI)
No classification provided. Condition: CFTR-related disorders. Review status: no classification provided. Collection method: literature only. Allele origin: germline. Affected: yes. Not counted in ClinVar's aggregate classification.

Literature cited by the submitters: PubMed 10923036 (cited by Labcorp Genetics (formerly Invitae), Labcorp and Women's Health and Genetics/Laboratory Corporation of America, LabCorp); PubMed 11379874 (cited by 3 submitters); PubMed 15776432 (cited by Labcorp Genetics (formerly Invitae), Labcorp); PubMed 20021716 (cited by Labcorp Genetics (formerly Invitae), Labcorp); PubMed 21520337 (cited by Labcorp Genetics (formerly Invitae), Labcorp); PubMed 23974870 (cited by Labcorp Genetics (formerly Invitae), Labcorp); PubMed 27086061 (cited by Labcorp Genetics (formerly Invitae), Labcorp).

NM_000492.4(CFTR):c.618G>T (p.Leu206Phe)

Gene: CFTR (CF transmembrane conductance regulator; plus strand). Cytogenetic location: 7q31.2.
Variant type: single nucleotide variant.
Coding change: c.618G>T on transcript NM_000492.4 (MANE Select); coding-DNA position 618, G replaced by T.
Protein change: p.Leu206Phe; replaces leucine 206 with phenylalanine.
Molecular consequence: missense variant.
Genome position (GRCh38, 1-based): chr7:117,535,286, G>T. VCF-style: chr7-117535286-G-T. GRCh37 (hg19) VCF-style: chr7-117175340-G-T.
Other names: short protein forms L206F.
Identifiers: ClinVar variation 54028 (VCV000054028.10), dbSNP rs397508770, ClinGen allele CA327603.
Genomic context (GRCh38, chr7:117,535,286, plus strand): 5'-TTGCTGTGCTTTTATTTTCCAGGGACTTGCATTGGCACATTTCGTGTGGATCGCTCCTTT[G>T]CAAGTGGCACTCCTCATGGGGCTAATCTGGGAGTTGTTACAGGCGTCTGCCTTCTGTGGA-3'
Protein context (NP_000483.3, residues 196-216): ALAHFVWIAP[Leu206Phe]QVALLMGLIW